The following is an entry in ClinVar:

ClinVar aggregate classification (germline): Uncertain significance. Review status: criteria provided, multiple submitters, no conflicts (2 of 4 stars). 2 submissions from 2 submitters: Uncertain significance (2). Last evaluated 2017-02-04.

Conditions:
Autosomal dominant polycystic kidney disease. Identifiers: Orphanet 730, MedGen C0085413, MONDO:0004691.
Polycystic kidney disease 2 (PKD2). Also called: POLYCYSTIC KIDNEY DISEASE, ADULT, TYPE II; POLYCYSTIC KIDNEY DISEASE 2 WITH OR WITHOUT POLYCYSTIC LIVER DISEASE; Polycystic Kidney Disease 2, Autosomal Dominant. Identifiers: MedGen C2751306, MONDO:0013131, OMIM 613095.

Submissions (2):

Labcorp Genetics (formerly Invitae), Labcorp
Classification: Uncertain significance for Autosomal dominant polycystic kidney disease. Last evaluated: 2017-02-04. Review status: criteria provided, single submitter. Criteria: Invitae Variant Classification Sherloc (09022015). Collection method: clinical testing. Allele origin: germline.
Comment: This sequence change replaces histidine with aspartic acid at codon 498 of the PKD2 protein (p.His498Asp). The histidine residue is highly conserved and there is a moderate physicochemical difference between histidine and aspartic acid. In summary, this variant is a novel missense change with uncertain impact on protein function. It has been classified as a Variant of Uncertain Significance. Algorithms developed to predict the effect of missense changes on protein structure and function do not agree on the potential impact of this missense change (SIFT: "Tolerated"; PolyPhen-2: "Possibly Damaging"; Align-GVGD: "Class C0"). This variant is not present in population databases (ExAC no frequency) and has not been reported in the literature in individuals with a PKD2-related disease.

Juno Genomics, Hangzhou Juno Genomics, Inc
Classification: Uncertain significance for Polycystic kidney disease 2. Review status: criteria provided, single submitter. Criteria: ACMG Guidelines, 2015. Collection method: clinical testing. Allele origin: germline.
Comment: Absent from controls (or at extremely low frequency if recessive) in Genome Aggregation Database.;Multiple lines of computational evidence support a deleterious effect on the gene or gene product.

NM_000297.4(PKD2):c.1492C>G (p.His498Asp)

Gene: PKD2 (polycystin 2, transient receptor potential cation channel; plus strand). Cytogenetic location: 4q22.1.
Variant type: single nucleotide variant.
Coding change: c.1492C>G on transcript NM_000297.4 (MANE Select); coding-DNA position 1492, C replaced by G.
Protein change: p.His498Asp; replaces histidine 498 with aspartic acid.
Molecular consequence: missense variant. On other transcripts: non-coding transcript variant (1).
Genome position (GRCh38, 1-based): chr4:88,046,814, C>G. VCF-style: chr4-88046814-C-G. GRCh37 (hg19) VCF-style: chr4-88967966-C-G.
Other names: short protein forms H498D.
Identifiers: ClinVar variation 477622 (VCV000477622.10), dbSNP rs1553926080, ClinGen allele CA357619616.
Genomic context (GRCh38, chr4:88,046,814, plus strand): 5'-ATTATCTTTTGTTTCTTTATCTTTTACTATGTGGTGGAAGAGATATTGGAAATTCGCATT[C>G]ACAAACTACACTATTTCAGGAGTTTCTGGAATTGTCTGGATGTTGTGATCGTTGTGGTAG-3'
Protein context (NP_000288.1, residues 488-508): VVEEILEIRI[His498Asp]KLHYFRSFWN